The following is an entry in ClinVar:

ClinVar aggregate classification (germline): Uncertain significance (1 of 4 stars; one submission).

Conditions:
Giant axonal neuropathy 1 (GAN1). Also called: GIANT AXONAL NEUROPATHY 1, AUTOSOMAL RECESSIVE; GAN-Related Neurodegeneration. Identifiers: Orphanet 643, MedGen C1850386, MONDO:0009749, OMIM 256850.

Allele frequency attached by ClinVar (database versions not stated): TOPMed below 0.00001; ExAC 0.00001; gnomAD exomes 0.00001.
gnomAD v4.1: 21 of 1,613,894 alleles (0.0013%); highest among the groups gnomAD compares: Non-Finnish European, 0.0018%; no homozygotes.

Submission:

Labcorp Genetics (formerly Invitae), Labcorp
Classification: Uncertain significance for Giant axonal neuropathy 1. Last evaluated: 2023-08-04. Review status: criteria provided, single submitter. Criteria: Invitae Variant Classification Sherloc (09022015). Collection method: clinical testing. Allele origin: germline.
Comment: This sequence change replaces valine, which is neutral and non-polar, with methionine, which is neutral and non-polar, at codon 462 of the GAN protein (p.Val462Met). This variant is present in population databases (rs199870222, gnomAD 0.002%). This variant has not been reported in the literature in individuals affected with GAN-related conditions. ClinVar contains an entry for this variant (Variation ID: 1036723). Advanced modeling of protein sequence and biophysical properties (such as structural, functional, and spatial information, amino acid conservation, physicochemical variation, residue mobility, and thermodynamic stability) performed at Invitae indicates that this missense variant is not expected to disrupt GAN protein function. In summary, the available evidence is currently insufficient to determine the role of this variant in disease. Therefore, it has been classified as a Variant of Uncertain Significance.

NM_022041.4(GAN):c.1384G>A (p.Val462Met)

Gene: GAN (gigaxonin; plus strand). Cytogenetic location: 16q23.2.
Variant type: single nucleotide variant.
Coding change: c.1384G>A on transcript NM_022041.4 (MANE Select); coding-DNA position 1384, G replaced by A.
Protein change: p.Val462Met; replaces valine 462 with methionine.
Molecular consequence: missense variant.
Genome position (GRCh38, 1-based): chr16:81,365,360, G>A. VCF-style: chr16-81365360-G-A. GRCh37 (hg19) VCF-style: chr16-81398965-G-A.
Other names: c.745G>A, p.Val249Met (NM_001377486.1); short protein forms V249M, V462M.
Identifiers: ClinVar variation 1036723 (VCV001036723.10), dbSNP rs199870222, ClinGen allele CA8191754.
Genomic context (GRCh38, chr16:81,365,360, plus strand): 5'-ATCTCGCATTGTACAGCTTGTGCCTGATAACGCTGTGTGTGGCCTTTCAGGTTTGGAGCG[G>A]TGGCCTGTGGAGTTGCTATGGAGCTGTATGTGTTTGGGGGAGTCCGAAGTCGTGAGGACG-3'
Protein context (NP_071324.1, residues 452-472): CPLKERRFGA[Val462Met]ACGVAMELYV